The following is an entry in ClinVar:

ClinVar aggregate classification (germline): Uncertain significance. Review status: criteria provided, multiple submitters, no conflicts (2 of 4 stars). 2 submissions from 2 submitters: Uncertain significance (2). Last evaluated 2023-05-08.

Conditions:
Ehlers-Danlos syndrome, type 4 (EDSVASC). Also called: Ehlers-Danlos syndrome vascular type; Ehlers Danlos syndrome, ecchymotic type; Ehlers Danlos syndrome, arterial type; Ehlers Danlos syndrome, Sack-Barabas type; Ehlers-Danlos Syndrome Type IV. Identifiers: Orphanet 286, MedGen C0268338, MONDO:0017314, OMIM 130050.

Submissions (2):

All of Us Research Program, National Institutes of Health
Classification: Uncertain significance for Ehlers-Danlos syndrome, type 4. Last evaluated: 2023-05-08. Review status: criteria provided, single submitter. Criteria: ACMG Guidelines, 2015. Collection method: clinical testing. Allele origin: germline. Inheritance: Autosomal dominant inheritance. Observed: 1 variant allele, 1 heterozygote.
Comment: This study involves interpretation of variants in research participants for the purpose of population health screening. Participant phenotype was not available at the time of variant classification. Additional details can be found in publication PMID: 35346344, PMCID: PMC8962531

GeneDx
Classification: Uncertain significance. Last evaluated: 2019-12-05. Review status: criteria provided, single submitter. Criteria: GeneDx Variant Classification Process June 2021. Collection method: clinical testing. Allele origin: germline. Affected: yes.
Comment: Has not been previously published as pathogenic or benign to our knowledge; In silico analysis, which includes protein predictors and evolutionary conservation, supports that this variant does not alter protein structure/function; Occurs in the triple helical domain at the X position in the canonical Gly-X-Y repeat; although this variant may have an effect on normal protein folding and function, missense substitution at the X position is not a common mechanism of disease (Stenson et al., 2014); Not observed in large population cohorts (Lek et al., 2016)

NM_000090.4(COL3A1):c.3143A>G (p.His1048Arg)

Gene: COL3A1 (collagen type III alpha 1 chain; plus strand). Cytogenetic location: 2q32.2.
Variant type: single nucleotide variant.
Coding change: c.3143A>G on transcript NM_000090.4 (MANE Select); coding-DNA position 3143, A replaced by G.
Protein change: p.His1048Arg; replaces histidine 1048 with arginine.
Molecular consequence: missense variant.
Genome position (GRCh38, 1-based): chr2:189,006,394, A>G. VCF-style: chr2-189006394-A-G. GRCh37 (hg19) VCF-style: chr2-189871120-A-G.
Other names: short protein forms H1048R.
Identifiers: ClinVar variation 1216960 (VCV001216960.4), dbSNP rs2153503727, ClinGen allele CA349845102.